The following is an entry in ClinVar:

ClinVar aggregate classification (germline): Uncertain significance. Review status: criteria provided, multiple submitters, no conflicts (2 of 4 stars). 3 submissions from 3 submitters: Uncertain significance (3). Last evaluated 2025-04-09.

Conditions:
Bardet-Biedl syndrome 16 (BBS16). Identifiers: Orphanet 110, MedGen C3889474, MONDO:0014444, OMIM 615993.
Senior-Loken syndrome 7 (SLSN7). Identifiers: Orphanet 3156, MedGen C3150877, MONDO:0013326, OMIM 613615.
SDCCAG8-related disorder. Also called: SDCCAG8-related condition; SDCCAG8-Related Disorders.

Allele frequency attached by ClinVar (database versions not stated): gnomAD exomes below 0.00001; TOPMed below 0.00001.
gnomAD v4.1: 1 of 1,614,214 alleles (0.000062%); highest among the groups gnomAD compares: African/African-American, 0.0013%; no homozygotes.

Submissions (3):

PreventionGenetics, part of Exact Sciences
Classification: Uncertain significance for SDCCAG8-related condition. Last evaluated: 2025-04-09. Review status: criteria provided, single submitter. Criteria: ACMG Guidelines, 2015. Collection method: clinical testing. Allele origin: germline.
Comment: The SDCCAG8 c.48G>T variant is predicted to result in the amino acid substitution p.Gln16His. To our knowledge, this variant has not been reported in the literature. This variant is reported in 0.0062% of alleles in individuals of African descent in gnomAD. At this time, the clinical significance of this variant is uncertain due to the absence of conclusive functional and genetic evidence.

Fulgent Genetics
Classification: Uncertain significance for Senior-Loken syndrome 7; Bardet-Biedl syndrome 16. Last evaluated: 2022-04-24. Review status: criteria provided, single submitter. Criteria: ACMG Guidelines, 2015. Collection method: clinical testing. Allele origin: unknown.

Labcorp Genetics (formerly Invitae), Labcorp
Classification: Uncertain significance for Bardet-Biedl syndrome 16; Senior-Loken syndrome 7. Last evaluated: 2022-03-10. Review status: criteria provided, single submitter. Criteria: Invitae Variant Classification Sherloc (09022015). Collection method: clinical testing. Allele origin: germline.
Comment: Algorithms developed to predict the effect of missense changes on protein structure and function output the following: SIFT: "Deleterious"; PolyPhen-2: "Benign"; Align-GVGD: "Class C0". The histidine amino acid residue is found in multiple mammalian species, which suggests that this missense change does not adversely affect protein function. In summary, the available evidence is currently insufficient to determine the role of this variant in disease. Therefore, it has been classified as a Variant of Uncertain Significance. This variant has not been reported in the literature in individuals affected with SDCCAG8-related conditions. This variant is present in population databases (no rsID available, gnomAD 0.007%). This sequence change replaces glutamine, which is neutral and polar, with histidine, which is basic and polar, at codon 16 of the SDCCAG8 protein (p.Gln16His).

NM_006642.5(SDCCAG8):c.48G>T (p.Gln16His)

Gene: SDCCAG8 (SHH signaling and ciliogenesis regulator SDCCAG8; plus strand). Cytogenetic location: 1q43.
Variant type: single nucleotide variant.
Coding change: c.48G>T on transcript NM_006642.5 (MANE Select); coding-DNA position 48, G replaced by T.
Protein change: p.Gln16His; replaces glutamine 16 with histidine.
Molecular consequence: missense variant. On other transcripts: 5 prime UTR variant (4).
Genome position (GRCh38, 1-based): chr1:243,256,221, G>T. VCF-style: chr1-243256221-G-T. GRCh37 (hg19) VCF-style: chr1-243419523-G-T.
Other names: c.48G>T (NM_006642.3); c.-1065G>T (NM_001350246.2); c.-953G>T (NM_001350247.2); c.48G>T, p.Gln16His (NM_001350248.2); c.-260G>T (NM_001350249.2); c.-1326G>T (NM_001350251.2); short protein forms Q16H.
Identifiers: ClinVar variation 1513320 (VCV001513320.9), dbSNP rs1398602761, ClinGen allele CA345478190.